The following is an entry in ClinVar:

ClinVar aggregate classification (germline): Pathogenic. Review status: criteria provided, multiple submitters, no conflicts (2 of 4 stars). 10 submissions from 10 submitters: Pathogenic (7). 3 of the submissions do not count toward it. Last evaluated 2026-07-17.

Conditions:
Hyperinsulinemic hypoglycemia, familial, 1 (HHF1). Also called: HYPERINSULINISM, FAMILIAL, WITH PANCREATIC NESIDIOBLASTOSIS; HYPOGLYCEMIA, HYPERINSULINEMIC, OF INFANCY; NESIDIOBLASTOSIS OF PANCREAS; Persistent hyperinsulinemic hypoglycemia of infancy; Persistent Hyperinsulinemia Hypoglycemia of Infancy. Identifiers: Orphanet 276575, Orphanet 276598, MedGen C2931832, MONDO:0009734, OMIM 256450.
Leucine-induced hypoglycemia (LIH). Also called: LEUCINE-SENSITIVE HYPOGLYCEMIA OF INFANCY. Identifiers: MedGen C0271714, MONDO:0009415, OMIM 240800.
Diabetes mellitus, permanent neonatal 3. Also called: ABCC8-Related Permanent Neonatal Diabetes Mellitus. Identifiers: MedGen C5394303, MONDO:0030088, OMIM 618857.
Diabetes mellitus, transient neonatal, 2 (TNDM2). Identifiers: Orphanet 99886, MedGen C1835887, MONDO:0012480, OMIM 610374. Disease mechanism: loss of function.
Type 2 diabetes mellitus. Also called: Type II diabetes mellitus. Identifiers: MedGen C0011860, MeSH D003924, MONDO:0005148, OMIM 125853, HP:0005978.
Hereditary hyperinsulinism.

Submissions (10):

GeneDx
Classification: Pathogenic. Last evaluated: 2026-07-17. Review status: criteria provided, single submitter. Criteria: GeneDx Variant Classification Process June 2021. Collection method: clinical testing. Allele origin: germline.
Comment: Published functional studies suggest this variant results in impairment of the function of the KATP channel (PMID: 25584046); Observed with a likely pathogenic variant on the opposite allele (in trans) in a patient with congenital hyperinsulinism in published literature (PMID: 25584046); Reported in a patient with focal hyperinsulinism in published literature (PMID: 14692646); Frameshift variant predicted to result in protein truncation or nonsense mediated decay in a gene for which loss of function is a known mechanism of disease; Not observed at significant frequency in large population cohorts (gnomAD); This variant is associated with the following publications: (PMID: 23345197, 30753133, 30386300, 24401662, 23275527, 27334808, 32041611, 36208030, 25584046, 14692646)

Victorian Clinical Genetics Services, Murdoch Childrens Research Institute
Classification: Pathogenic for Hyperinsulinemic hypoglycemia, familial, 1. Last evaluated: 2026-06-19. Review status: criteria provided, single submitter. Criteria: ACMG Guidelines, 2015. Collection method: clinical testing. Allele origin: germline. Affected: yes.
Comment: This variant is classified as Pathogenic. Evidence in support of pathogenic classification: Variant is predicted to cause nonsense-mediated decay (NMD) and loss of protein (premature termination codon is located at least 54 nucleotides upstream of the final exon-exon junction); Variant is present in gnomAD <0.01 (v4: 36 heterozygote(s), 0 homozygote(s)); This variant has strong previous evidence of pathogenicity in unrelated individuals. It has been classified as likely pathogenic and pathogenic by clinical laboratories in ClinVar, and reported in the literature in compound heterozygous and heterozygous individuals (but with no mention of a somatic second hit) with hyperinsulinaemic hypoglycaemia (PMIDs: 25584046, 33108363); Other NMD-predicted variant(s) comparable to the one identified in this case have very strong previous evidence for pathogenicity (DECIPHER). Additional information: This variant is heterozygous; This gene is associated with both recessive and dominant disease (ClinGen; PMID: 32027066); Loss of function and gain of function are known mechanisms of disease in this gene. Gain of function is associated with diabetes mellitus, noninsulin-dependent (MIM#125853), diabetes mellitus, permanent neonatal 3, with or without neurologic features (MIM#618857), and diabetes mellitus, transient neonatal 2 (MIM#610374). Loss of function is associated with autosomal recessive hyperinsulinaemic hypoglycaemia, familial, 1 (MONDO:0009734), autosomal dominant hyperinsulinism (MONDO:0002177), ABCC8-related, and hypoglycaemia of infancy, leucine-sensitive (MIM#240800) (ClinGen; PMIDs: 32376986, 32027066); Variants in this gene are known to have variable expressivity. Variants in this gene have been associated with both permanent and transient diabetes (PMIDs: 26208381, 32027066).

Broad Center for Mendelian Genomics, Broad Institute of MIT and Harvard
Classification: Pathogenic for Hyperinsulinemic hypoglycemia, familial, 1. Last evaluated: 2025-04-28. Review status: criteria provided, single submitter. Criteria: ACMG Guidelines, 2015. Collection method: curation. Allele origin: germline. Inheritance: Autosomal recessive inheritance.
Comment: The p.His627MetfsTer20 variant in ABCC8 has been reported in four individuals with hyperinsulinemic hypoglycemia (PMID: 14692646, 30386300, 25584046), and has been identified in 0.003% (36/1180000) of European (non-Finnish) chromosomes by the Genome Aggregation Database (gnomAD; dbSNP ID: rs764613146). Although this variant has been seen in the general population in a heterozygous state, its frequency is low enough to be consistent with a recessive carrier frequency. It is of note that this variant occurs in a homopolymer repeat, which could indicate that it exists as an artifact from sequencing. However, disease-causing variants have been reported in homopolymer regions, so this is not enough to rule out a pathogenic role. This variant has also been reported in ClinVar (VCV000370909.19) and has been interpreted as pathogenic by multiple submitters. Of the four affected individuals, three were compound heterozygotes that carried a reported pathogenic variants in trans, which increases the likelihood that the p.His627MetfsTer20 variant is pathogenic (PMID: 14692646, 30386300). In vitro functional studies provide some evidence that the p.His627MetfsTer20 variant may slightly impact protein function (PMID: 25584046). However, these types of assays may not accurately represent biological function. This variant is predicted to cause a frameshift, which alters the protein’s amino acid sequence beginning at position 627 and leads to a premature termination codon. This alteration is then predicted to lead to a truncated or absent protein. Loss of function of the ABCC8 gene is an established disease mechanism in autosomal recessive hyperinsulinemic hypoglycemia. In summary, this variant meets criteria to be classified as pathogenic for autosomal recessive hyperinsulinemic hypoglycemia. ACMG/AMP Criteria applied: PVS1, PM3_strong, PM2_supporting, PS3_supporting (Richards 2015).

Labcorp Genetics (formerly Invitae), Labcorp
Classification: Pathogenic. Last evaluated: 2023-10-22. Review status: criteria provided, single submitter. Criteria: Invitae Variant Classification Sherloc (09022015). Collection method: clinical testing. Allele origin: germline.
Comment: This sequence change creates a premature translational stop signal (p.His627Metfs*20) in the ABCC8 gene. It is expected to result in an absent or disrupted protein product. Loss-of-function variants in ABCC8 are known to be pathogenic (PMID: 20685672, 23345197). This variant is not present in population databases (gnomAD no frequency). This premature translational stop signal has been observed in individual(s) with congenital hyperinsulinism (PMID: 25584046, 30386300). ClinVar contains an entry for this variant (Variation ID: 370909). Algorithms developed to predict the effect of sequence changes on RNA splicing suggest that this variant may disrupt the consensus splice site. For these reasons, this variant has been classified as Pathogenic.

Baylor Genetics
Classification: Pathogenic for Type 2 diabetes mellitus. Last evaluated: 2023-09-20. Review status: criteria provided, single submitter. Criteria: ACMG Guidelines, 2015. Collection method: clinical testing. Allele origin: unknown.

Fulgent Genetics
Classification: Pathogenic for Type 2 diabetes mellitus; Leucine-induced hypoglycemia; Hyperinsulinemic hypoglycemia, familial, 1; Diabetes mellitus, transient neonatal, 2; Diabetes mellitus, permanent neonatal 3. Last evaluated: 2022-02-04. Review status: criteria provided, single submitter. Criteria: ACMG Guidelines, 2015. Collection method: clinical testing. Allele origin: unknown.

Genetic Services Laboratory, University of Chicago
Classification: Pathogenic for Hyperinsulinemic hypoglycemia, familial, 1. Last evaluated: 2015-09-29. Review status: criteria provided, single submitter. Criteria: ACMG Guidelines, 2015. Collection method: clinical testing. Allele origin: germline. Affected: yes.

Cardiovascular Genetics Laboratory, PathWest Laboratory Medicine WA - Fiona Stanley Hospital
Classification: Pathogenic for Hyperinsulinemic hypoglycemia, familial, 1. Last evaluated: 2021-08-18. Review status: no assertion criteria provided. Criteria: ACMG Guidelines, 2015. Collection method: clinical testing. Allele origin: germline. Not counted in ClinVar's aggregate classification.

Natera, Inc.
Classification: Pathogenic for Hereditary hyperinsulinism. Last evaluated: 2021-02-12. Review status: no assertion criteria provided. Collection method: clinical testing. Allele origin: germline. Not counted in ClinVar's aggregate classification.

Counsyl
Classification: Likely pathogenic for Hyperinsulinemic hypoglycemia, familial, 1. Last evaluated: 2016-05-12. Review status: no assertion criteria provided. Collection method: clinical testing. Allele origin: unknown. Not counted in ClinVar's aggregate classification.

Literature cited by the submitters: PubMed 33108363 (cited by Victorian Clinical Genetics Services, Murdoch Childrens Research Institute); PubMed 32376986 (cited by Victorian Clinical Genetics Services, Murdoch Childrens Research Institute); PubMed 26208381 (cited by Victorian Clinical Genetics Services, Murdoch Childrens Research Institute); PubMed 32027066 (cited by Victorian Clinical Genetics Services, Murdoch Childrens Research Institute); PubMed 25584046 (cited by 4 submitters); PubMed 14692646 (cited by Broad Center for Mendelian Genomics, Broad Institute of MIT and Harvard); PubMed 30386300 (cited by Broad Center for Mendelian Genomics, Broad Institute of MIT and Harvard and Labcorp Genetics (formerly Invitae), Labcorp); PubMed 20685672 (cited by Labcorp Genetics (formerly Invitae), Labcorp); PubMed 23345197 (cited by Labcorp Genetics (formerly Invitae), Labcorp and Counsyl); PubMed 23275527 (cited by Counsyl); PubMed 24401662 (cited by Counsyl).

NM_000352.6(ABCC8):c.1879del (p.His627fs)

Gene: ABCC8 (ATP binding cassette subfamily C member 8; minus strand). Cytogenetic location: 11p15.1.
Variant type: Deletion.
Coding change: c.1879del on transcript NM_000352.6 (MANE Select); coding-DNA position 1879, one base deleted (C; older notation c.1879delC).
Protein change: p.His627fs; shifts the reading frame from histidine 627.
Molecular consequence: frameshift variant. On other transcripts: non-coding transcript variant (1).
Genome position (GRCh38, 1-based): chr11:17,428,609, G deleted on the plus strand (C on the coding strand, the reverse complement: ABCC8 is on the minus strand); the first of 6 consecutive G bases (chr11:17,428,609-17,428,614); deleting any one gives the same sequence. VCF-style (leftmost placement, unchanged base first): chr11-17428608-TG-T. GRCh37 (hg19) VCF-style: chr11-17450155-TG-T.
Other names: NM_000352.6(ABCC8):c.1879del; p.His627fs; c.1879del, p.His627fs (NM_001287174.3, NM_001351295.2); c.1876del, p.His626fs (NM_001351296.2, NM_001351297.2); c.1879delC (NM_000352.6); short protein forms H627fs, H626fs.
Identifiers: ClinVar variation 370909 (VCV000370909.26), dbSNP rs764613146, ClinGen allele CA16041450.
Genomic context (GRCh38, chr11:17,428,608, plus strand): 5'-GGAGGCCGGGCACTCACCACCGCCTGGTACTTGCTGGCTGGGCCCTGAGGTGTGGGCTCA[TG>T]GGGGGCACACTGCTCCTCACGGATCTCTGCACTGGACAGGAACTCGCTTAGCTTTTGCAC-3'